The following is an entry in ClinVar:

ClinVar aggregate classification (germline): Uncertain significance. Review status: criteria provided, multiple submitters, no conflicts (2 of 4 stars). 2 submissions from 2 submitters: Uncertain significance (2). Last evaluated 2025-05-15.

Conditions:
Gorlin syndrome. Also called: Nevoid Basal Cell Carcinoma Syndrome; Basal cell nevus syndrome. Identifiers: Orphanet 377, MedGen C0004779, MONDO:0007187.

gnomAD v4.1: 3 of 1,613,712 alleles (0.00019%); highest among the groups gnomAD compares: South Asian, 0.0011%; no homozygotes.

Submissions (2):

Labcorp Genetics (formerly Invitae), Labcorp
Classification: Uncertain significance for Gorlin syndrome. Last evaluated: 2025-05-15. Review status: criteria provided, single submitter. Criteria: Invitae Variant Classification Sherloc (09022015). Collection method: clinical testing. Allele origin: germline.
Comment: This sequence change replaces valine, which is neutral and non-polar, with methionine, which is neutral and non-polar, at codon 576 of the PTCH2 protein (p.Val576Met). This variant is present in population databases (no rsID available, gnomAD 0.002%). This variant has not been reported in the literature in individuals affected with PTCH2-related conditions. ClinVar contains an entry for this variant (Variation ID: 1479500). Invitae Evidence Modeling of protein sequence and biophysical properties (such as structural, functional, and spatial information, amino acid conservation, physicochemical variation, residue mobility, and thermodynamic stability) indicates that this missense variant is not expected to disrupt PTCH2 protein function with a negative predictive value of 80%. In summary, the available evidence is currently insufficient to determine the role of this variant in disease. Therefore, it has been classified as a Variant of Uncertain Significance.

Ambry Genetics
Classification: Uncertain significance. Last evaluated: 2024-01-23. Review status: criteria provided, single submitter. Criteria: Ambry Variant Classification Scheme 2023. Collection method: clinical testing. Allele origin: germline.

NM_003738.5(PTCH2):c.1726G>A (p.Val576Met)

Gene: PTCH2 (patched 2; minus strand). Cytogenetic location: 1p34.1.
Variant type: single nucleotide variant.
Coding change: c.1726G>A on transcript NM_003738.5 (MANE Select); coding-DNA position 1726, G replaced by A.
Protein change: p.Val576Met; replaces valine 576 with methionine.
Molecular consequence: missense variant.
Genome position (GRCh38, 1-based): chr1:44,828,175, C>T on the plus strand (G>A on the coding strand, the complement: PTCH2 is on the minus strand). VCF-style: chr1-44828175-C-T. GRCh37 (hg19) VCF-style: chr1-45293847-C-T.
Other names: c.1726G>A (NM_003738.4); c.1726G>A, p.Val576Met (NM_001166292.2); short protein forms V576M.
Identifiers: ClinVar variation 1479500 (VCV001479500.7), dbSNP rs867905557, ClinGen allele CA340099658.
Genomic context (GRCh38, chr1:44,828,175, plus strand): 5'-GGTGGGCAATGCCCACTGGTACTGTCCCGTCCCCCAGCTCCTGGGGCAGGATCTGAATCA[C>T]CTGAGCAGAGCAGGGACTGGAAGAGGTAGAGAGTGGATGACAGGTCTGTGCCTTGAAATG-3'
Protein context (NP_003729.3, residues 566-586): CCFSSPCSAQ[Val576Met]IQILPQELGD